The following is an entry in ClinVar:

NM_001170629.2(CHD8):c.202C>T (p.Pro68Ser)

Gene: CHD8 (chromodomain helicase DNA binding protein 8; minus strand). Cytogenetic location: 14q11.2.
Variant type: single nucleotide variant.
Coding change: c.202C>T on transcript NM_001170629.2 (MANE Select); coding-DNA position 202, C replaced by T.
Protein change: p.Pro68Ser; replaces proline 68 with serine.
Molecular consequence: missense variant. On other transcripts: intron variant (1).
Genome position (GRCh38, 1-based): chr14:21,431,442, G>A on the plus strand (C>T on the coding strand, the complement: CHD8 is on the minus strand). VCF-style: chr14-21431442-G-A. GRCh37 (hg19) VCF-style: chr14-21899601-G-A.
Other names: c.6+369C>T (NM_020920.4); short protein forms P68S.
Identifiers: ClinVar variation 1722977 (VCV001722977.5), dbSNP rs1049466654, ClinGen allele CA257558668.

ClinVar aggregate classification (germline): Uncertain significance. Review status: criteria provided, multiple submitters, no conflicts (2 of 4 stars). 2 submissions from 2 submitters: Uncertain significance (2). Last evaluated 2024-05-15.

Allele frequency attached by ClinVar (database versions not stated): TOPMed 0.00001; gnomAD 0.00002; gnomAD exomes 0.00006.

Submissions (2):

Labcorp Genetics (formerly Invitae), Labcorp
Classification: Uncertain significance. Last evaluated: 2024-05-15. Review status: criteria provided, single submitter. Criteria: Invitae Variant Classification Sherloc (09022015). Collection method: clinical testing. Allele origin: germline.
Comment: This sequence change replaces proline, which is neutral and non-polar, with serine, which is neutral and polar, at codon 68 of the CHD8 protein (p.Pro68Ser). This variant is present in population databases (no rsID available, gnomAD 0.002%). This variant has not been reported in the literature in individuals affected with CHD8-related conditions. ClinVar contains an entry for this variant (Variation ID: 1722977). Algorithms developed to predict the effect of missense changes on protein structure and function output the following: SIFT: "Not Available"; PolyPhen-2: "Possibly Damaging"; Align-GVGD: "Not Available". The serine amino acid residue is found in multiple mammalian species, which suggests that this missense change does not adversely affect protein function. In summary, the available evidence is currently insufficient to determine the role of this variant in disease. Therefore, it has been classified as a Variant of Uncertain Significance.

GeneDx
Classification: Uncertain significance. Last evaluated: 2022-05-02. Review status: criteria provided, single submitter. Criteria: GeneDx Variant Classification Process June 2021. Collection method: clinical testing. Allele origin: germline. Affected: yes.
Comment: Not observed at significant frequency in large population cohorts (gnomAD); In silico analysis supports that this missense variant has a deleterious effect on protein structure/function; Has not been previously published as pathogenic or benign to our knowledge